The following is an entry in ClinVar:

NC_000022.10:g.(?_32162551)_(32162674_?)del

Gene: DEPDC5 (DEP domain containing 5, GATOR1 subcomplex subunit; plus strand). Cytogenetic location: 22q12.2.
Variant type: Deletion.
Identifiers: ClinVar variation 1410351 (VCV001410351.6).

ClinVar aggregate classification (germline): Uncertain significance (1 of 4 stars; one submission).

Conditions:
Familial focal epilepsy with variable foci (FPEVF). Identifiers: Orphanet 98820, MedGen C1858477, MONDO:0020310.

Submission:

Labcorp Genetics (formerly Invitae), Labcorp
Classification: Uncertain significance for Familial focal epilepsy with variable foci. Last evaluated: 2021-06-18. Review status: criteria provided, single submitter. Criteria: Invitae Variant Classification Sherloc (09022015). Collection method: clinical testing. Allele origin: germline.
Comment: This variant is a gross deletion of the genomic region encompassing exon(s) 6 of the DEPDC5 gene. This variant would be expected to be in-frame, preserving the integrity of the reading frame. This variant has not been reported in the literature in individuals with DEPDC5-related conditions. Experimental studies and prediction algorithms are not available or were not evaluated, and the functional significance of this variant is currently unknown. In summary, the available evidence is currently insufficient to determine the role of this variant in disease. Therefore, it has been classified as a Variant of Uncertain Significance.